The following is an entry in ClinVar:

NM_000374.5(UROD):c.874C>T (p.Arg292Trp)

Gene: UROD (uroporphyrinogen decarboxylase; plus strand). Cytogenetic location: 1p34.1.
Variant type: single nucleotide variant.
Coding change: c.874C>T on transcript NM_000374.5 (MANE Select); coding-DNA position 874, C replaced by T.
Protein change: p.Arg292Trp; replaces arginine 292 with tryptophan.
Molecular consequence: missense variant. On other transcripts: non-coding transcript variant (3).
Genome position (GRCh38, 1-based): chr1:45,014,835, C>T. VCF-style: chr1-45014835-C-T. GRCh37 (hg19) VCF-style: chr1-45480507-C-T.
Other names: short protein forms R292W.
Identifiers: ClinVar variation 430039 (VCV000430039.3), dbSNP rs121918059, ClinGen allele CA825359.

ClinVar aggregate classification (germline): Uncertain significance (1 of 4 stars; one submission).

Allele frequency attached by ClinVar (database versions not stated): ExAC 0.00001; gnomAD 0.00001 and 0.00003; gnomAD exomes 0.00001; TOPMed 0.00003.
gnomAD v4.1: 12 of 1,613,992 alleles (0.00074%); highest among the groups gnomAD compares: East Asian, 0.0022%; no homozygotes.

Submission:

GeneDx
Classification: Uncertain significance. Last evaluated: 2019-08-12. Review status: criteria provided, single submitter. Criteria: GeneDx Variant Classification Process June 2021. Collection method: clinical testing. Allele origin: germline. Affected: yes.
Comment: Not observed at a significant frequency in large population cohorts (Lek et al., 2016); In silico analysis, which includes protein predictors and evolutionary conservation, supports a deleterious effect; Has not been previously published as pathogenic or benign to our knowledge